The following is an entry in ClinVar:

ClinVar aggregate classification (germline): Uncertain significance (1 of 4 stars; one submission).

Conditions:
Inborn genetic diseases. Identifiers: MedGen C0950123, MeSH D030342.

Submission:

Ambry Genetics
Classification: Uncertain significance for Inborn genetic diseases. Last evaluated: 2024-07-13. Review status: criteria provided, single submitter. Criteria: Ambry Variant Classification Scheme 2023. Collection method: clinical testing. Allele origin: germline.
Comment: The p.G223S variant (also known as c.667G>A), located in coding exon 4 of the ACD gene, results from a G to A substitution at nucleotide position 667. The glycine at codon 223 is replaced by serine, an amino acid with similar properties. This amino acid position is conserved. In addition, this alteration is predicted to be tolerated by in silico analysis. Based on the available evidence, the clinical significance of this variant remains unclear.

NM_001082486.2(ACD):c.409G>A (p.Gly137Ser)

Gene: ACD (ACD shelterin complex subunit and telomerase recruitment factor; minus strand). Cytogenetic location: 16q22.1.
Variant type: single nucleotide variant.
Coding change: c.409G>A on transcript NM_001082486.2 (MANE Select); coding-DNA position 409, G replaced by A.
Protein change: p.Gly137Ser; replaces glycine 137 with serine.
Molecular consequence: missense variant.
Genome position (GRCh38, 1-based): chr16:67,659,541, C>T on the plus strand (G>A on the coding strand, the complement: ACD is on the minus strand). VCF-style: chr16-67659541-C-T. GRCh37 (hg19) VCF-style: chr16-67693444-C-T.
Other names: c.409G>A, p.Gly137Ser (NM_001410884.1); c.400G>A, p.Gly134Ser (NM_022914.3); short protein forms G134S, G137S.
Identifiers: ClinVar variation 3479863 (VCV003479863.1).
Genomic context (GRCh38, chr16:67,659,541, plus strand): 5'-CAGCGCCGGCCAGGCTGGGGTGGGGAGAGCTGCTGGAGGGCGGAGGCATCACTTACCAAC[C>T]AGGCACCCGTAGCCGGGGCTGCTCCGTGGGCAGCAGGCTGAAGCGGTCCACCTGGAGATA-3'
Protein context (NP_001075955.2, residues 127-147): PTEQPRLRVP[Gly137Ser]CNQDLDVQKK